The following is an entry in ClinVar:

ClinVar aggregate classification (germline): Uncertain significance (1 of 4 stars; one submission).

Conditions:
Brugada syndrome 4 (BRGDA4). Identifiers: Orphanet 130, MedGen C2678477, MONDO:0012743, OMIM 611876.

gnomAD v4.1: 11 of 1,613,936 alleles (0.00068%); highest among the groups gnomAD compares: East Asian, 0.0022%; no homozygotes.

Submission:

Labcorp Genetics (formerly Invitae), Labcorp
Classification: Uncertain significance for Brugada syndrome 4. Last evaluated: 2024-02-24. Review status: criteria provided, single submitter. Criteria: Invitae Variant Classification Sherloc (09022015). Collection method: clinical testing. Allele origin: germline.
Comment: This sequence change replaces serine, which is neutral and polar, with leucine, which is neutral and non-polar, at codon 277 of the CACNB2 protein (p.Ser277Leu). This variant is present in population databases (rs754335613, gnomAD 0.006%). This variant has not been reported in the literature in individuals affected with CACNB2-related conditions. Advanced modeling of protein sequence and biophysical properties (such as structural, functional, and spatial information, amino acid conservation, physicochemical variation, residue mobility, and thermodynamic stability) performed at Invitae indicates that this missense variant is expected to disrupt CACNB2 protein function with a positive predictive value of 80%. In summary, the available evidence is currently insufficient to determine the role of this variant in disease. Therefore, it has been classified as a Variant of Uncertain Significance.

NM_201596.3(CACNB2):c.992C>T (p.Ser331Leu)

Gene: CACNB2 (calcium voltage-gated channel auxiliary subunit beta 2; plus strand). Cytogenetic location: 10p12.31.
Variant type: single nucleotide variant.
Coding change: c.992C>T on transcript NM_201596.3 (MANE Select); coding-DNA position 992, C replaced by T.
Protein change: p.Ser331Leu; replaces serine 331 with leucine.
Molecular consequence: missense variant.
Genome position (GRCh38, 1-based): chr10:18,527,635, C>T. VCF-style: chr10-18527635-C-T. GRCh37 (hg19) VCF-style: chr10-18816564-C-T.
Other names: c.827C>T, p.Ser276Leu (NM_000724.4); c.794C>T, p.Ser265Leu (NM_001167945.2); c.713C>T, p.Ser238Leu (NM_001330060.2); c.734C>T, p.Ser245Leu (NM_001410882.1); c.848C>T, p.Ser283Leu (NM_201570.3); c.908C>T, p.Ser303Leu (NM_201571.4); c.836C>T, p.Ser279Leu (NM_201572.4); c.830C>T, p.Ser277Leu (NM_201590.3); and 2 more; short protein forms S238L, S265L, S303L, S277L, S293L, S276L, S331L, S245L.
Identifiers: ClinVar variation 3703024 (VCV003703024.2).